The following is an entry in ClinVar:

NM_032802.4(SPPL2A):c.624G>T (p.Met208Ile)

Gene: SPPL2A (signal peptide peptidase like 2A; minus strand). Cytogenetic location: 15q21.2.
Variant type: single nucleotide variant.
Coding change: c.624G>T on transcript NM_032802.4 (MANE Select); coding-DNA position 624, G replaced by T.
Protein change: p.Met208Ile; replaces methionine 208 with isoleucine.
Molecular consequence: missense variant.
Genome position (GRCh38, 1-based): chr15:50,739,789, C>A on the plus strand (G>T on the coding strand, the complement: SPPL2A is on the minus strand). VCF-style: chr15-50739789-C-A. GRCh37 (hg19) VCF-style: chr15-51031986-C-A.
Other names: c.624G>T, p.Met208Ile (NM_001438111.1, NM_001438112.1); short protein forms M208I.
Identifiers: ClinVar variation 4772396 (VCV004772396.1).

ClinVar aggregate classification (germline): Uncertain significance (1 of 4 stars; one submission).

gnomAD v4.1: 1 of 1,605,694 alleles (0.000062%); highest among the groups gnomAD compares: African/African-American, 0.0013%; no homozygotes.

Submission:

Labcorp Genetics (formerly Invitae), Labcorp
Classification: Uncertain significance. Last evaluated: 2025-06-24. Review status: criteria provided, single submitter. Criteria: Invitae Variant Classification Sherloc (09022015). Collection method: clinical testing. Allele origin: germline.
Comment: This sequence change replaces methionine, which is neutral and non-polar, with isoleucine, which is neutral and non-polar, at codon 208 of the SPPL2A protein (p.Met208Ile). This variant is not present in population databases (gnomAD no frequency). This variant has not been reported in the literature in individuals affected with SPPL2A-related conditions. An algorithm developed to predict the effect of missense changes on protein structure and function (PolyPhen-2) suggests that this variant is likely to be tolerated. In summary, the available evidence is currently insufficient to determine the role of this variant in disease. Therefore, it has been classified as a Variant of Uncertain Significance.